The following is an entry in ClinVar:

ClinVar aggregate classification (germline): Likely benign (1 of 4 stars; one submission).

Allele frequency attached by ClinVar (database versions not stated): gnomAD 0.00003; gnomAD exomes 0.00006 and 0.00001; 1000 Genomes Project 30x 0.00031; TOPMed 0.00001; 1000 Genomes Project 0.00020; ExAC 0.00006.

Submission:

GeneDx
Classification: Likely benign. Last evaluated: 2017-01-25. Review status: criteria provided, single submitter. Criteria: GeneDx Variant Classification (06012015). Collection method: clinical testing. Allele origin: germline. Affected: yes.
Comment: This variant is considered likely benign or benign based on one or more of the following criteria: it is a conservative change, it occurs at a poorly conserved position in the protein, it is predicted to be benign by multiple in silico algorithms, and/or has population frequency not consistent with disease.

NM_004589.3(SCO1):c.-39T>C

Genes: SCO1 (synthesis of cytochrome C oxidase 1; minus strand), LOC112529895 (Sharpr-MPRA regulatory region 5903; plus strand). Cytogenetic location: 17p13.1.
Variant type: single nucleotide variant.
Coding change: c.-39T>C on transcript NM_004589.3; 39 bases upstream of the start codon, T replaced by C.
Genome position (GRCh38, 1-based): chr17:10,697,546, A>G on the plus strand (T>C on the coding strand, the complement: SCO1 is on the minus strand). VCF-style: chr17-10697546-A-G. GRCh37 (hg19) VCF-style: chr17-10600863-A-G.
Identifiers: ClinVar variation 506782 (VCV000506782.3), dbSNP rs544321973, ClinGen allele CA8393762.